The following is an entry in ClinVar:

ClinVar aggregate classification (germline): Uncertain significance. Review status: criteria provided, multiple submitters, no conflicts (2 of 4 stars). 2 submissions from 2 submitters: Uncertain significance (2). Last evaluated 2024-10-16.

Conditions:
Majeed syndrome (MJDS). Also called: CHRONIC RECURRENT MULTIFOCAL OSTEOMYELITIS 1, WITH CONGENITAL DYSERYTHROPOIETIC ANEMIA, WITH OR WITHOUT NEUTROPHILIC DERMATOSIS; LPIN2-Related Majeed Syndrome. Identifiers: Orphanet 77297, MedGen C1864997, MONDO:0012316, OMIM 609628.
Inborn genetic diseases. Identifiers: MedGen C0950123, MeSH D030342.

Allele frequency attached by ClinVar (database versions not stated): gnomAD exomes 0.00002; gnomAD 0.00013 and 0.00015; ESP Exome Variant Server 0.00015; TOPMed 0.00016.
gnomAD v4.1: 57 of 1,614,010 alleles (0.0035%); highest among the groups gnomAD compares: African/African-American, 0.031%; no homozygotes.

Submissions (2):

Labcorp Genetics (formerly Invitae), Labcorp
Classification: Uncertain significance for Majeed syndrome. Last evaluated: 2024-10-16. Review status: criteria provided, single submitter. Criteria: Invitae Variant Classification Sherloc (09022015). Collection method: clinical testing. Allele origin: germline.
Comment: This sequence change replaces aspartic acid, which is acidic and polar, with asparagine, which is neutral and polar, at codon 653 of the LPIN2 protein (p.Asp653Asn). This variant is present in population databases (rs148258407, gnomAD 0.03%). This variant has not been reported in the literature in individuals affected with LPIN2-related conditions. ClinVar contains an entry for this variant (Variation ID: 864021). Invitae Evidence Modeling of protein sequence and biophysical properties (such as structural, functional, and spatial information, amino acid conservation, physicochemical variation, residue mobility, and thermodynamic stability) indicates that this missense variant is not expected to disrupt LPIN2 protein function with a negative predictive value of 80%. In summary, the available evidence is currently insufficient to determine the role of this variant in disease. Therefore, it has been classified as a Variant of Uncertain Significance.

Ambry Genetics
Classification: Uncertain significance for Inborn genetic diseases. Last evaluated: 2024-07-31. Review status: criteria provided, single submitter. Criteria: Ambry Variant Classification Scheme 2023. Collection method: clinical testing. Allele origin: germline.

NM_001375808.2(LPIN2):c.1957G>A (p.Asp653Asn)

Gene: LPIN2 (lipin 2; minus strand). Cytogenetic location: 18p11.31.
Variant type: single nucleotide variant.
Coding change: c.1957G>A on transcript NM_001375808.2 (MANE Select); coding-DNA position 1957, G replaced by A.
Protein change: p.Asp653Asn; replaces aspartic acid 653 with asparagine.
Molecular consequence: missense variant.
Genome position (GRCh38, 1-based): chr18:2,924,528, C>T on the plus strand (G>A on the coding strand, the complement: LPIN2 is on the minus strand). VCF-style: chr18-2924528-C-T. GRCh37 (hg19) VCF-style: chr18-2924526-C-T.
Other names: c.1957G>A, p.Asp653Asn (NM_001375809.1, NM_014646.2); short protein forms D653N.
Identifiers: ClinVar variation 864021 (VCV000864021.10), dbSNP rs148258407, ClinGen allele CA8872890.